The following is an entry in ClinVar:

ClinVar aggregate classification (germline): Benign. Review status: criteria provided, multiple submitters, no conflicts (2 of 4 stars). 2 submissions from 2 submitters: Benign (2). Last evaluated 2018-06-14.

Allele frequency attached by ClinVar (database versions not stated): gnomAD exomes 0.00387; gnomAD 0.01948 and 0.02051; TOPMed 0.02206; 1000 Genomes Project 0.02316; 1000 Genomes Project 30x 0.02358.

Submissions (2):

GeneDx
Classification: Benign. Last evaluated: 2018-06-14. Review status: criteria provided, single submitter. Criteria: GeneDx Variant Classification (06012015). Collection method: clinical testing. Allele origin: germline. Affected: yes.
Comment: This variant is considered likely benign or benign based on one or more of the following criteria: it is a conservative change, it occurs at a poorly conserved position in the protein, it is predicted to be benign by multiple in silico algorithms, and/or has population frequency not consistent with disease.

Breakthrough Genomics
Classification: Benign. Review status: criteria provided, single submitter. Criteria: ACMG Guidelines, 2015. Collection method: not provided. Allele origin: germline. Inheritance: Autosomal dominant inheritance. Affected: yes.

NM_017636.4(TRPM4):c.797-125A>G

Gene: TRPM4 (transient receptor potential cation channel subfamily M member 4; plus strand). Cytogenetic location: 19q13.33.
Variant type: single nucleotide variant.
Coding change: c.797-125A>G on transcript NM_017636.4 (MANE Select); 125 bases into the intron before coding-DNA position 797, A replaced by G.
Molecular consequence: intron variant.
Genome position (GRCh38, 1-based): chr19:49,171,232, A>G. VCF-style: chr19-49171232-A-G. GRCh37 (hg19) VCF-style: chr19-49674489-A-G.
Other names: c.797-125A>G (NM_001195227.2); c.-757-125A>G (NM_001321282.2); c.452-125A>G (NM_001321281.2); c.275-125A>G (NM_001321283.2); c.-53-125A>G (NM_001321285.2).
Identifiers: ClinVar variation 679626 (VCV000679626.2), dbSNP rs78397546, ClinGen allele CA309433177.